The following is an entry in ClinVar:

NM_006660.5(CLPX):c.436A>G (p.Ile146Val)

Gene: CLPX (caseinolytic mitochondrial matrix peptidase chaperone subunit X; minus strand). Cytogenetic location: 15q22.31.
Variant type: single nucleotide variant.
Coding change: c.436A>G on transcript NM_006660.5 (MANE Select); coding-DNA position 436, A replaced by G.
Protein change: p.Ile146Val; replaces isoleucine 146 with valine.
Molecular consequence: missense variant. On other transcripts: non-coding transcript variant (1).
Genome position (GRCh38, 1-based): chr15:65,166,708, T>C on the plus strand (A>G on the coding strand, the complement: CLPX is on the minus strand). VCF-style: chr15-65166708-T-C. GRCh37 (hg19) VCF-style: chr15-65459046-T-C.
Other names: short protein forms I146V.
Identifiers: ClinVar variation 3665772 (VCV003665772.2).

ClinVar aggregate classification (germline): Uncertain significance (1 of 4 stars; one submission).

gnomAD v4.1: 3 of 1,614,140 alleles (0.00019%); highest among the groups gnomAD compares: Admixed American, 0.0017%; no homozygotes.

Submission:

Labcorp Genetics (formerly Invitae), Labcorp
Classification: Uncertain significance. Last evaluated: 2025-01-21. Review status: criteria provided, single submitter. Criteria: Invitae Variant Classification Sherloc (09022015). Collection method: clinical testing. Allele origin: germline.
Comment: This sequence change replaces isoleucine, which is neutral and non-polar, with valine, which is neutral and non-polar, at codon 146 of the CLPX protein (p.Ile146Val). This variant is present in population databases (no rsID available, gnomAD 0.003%). This variant has not been reported in the literature in individuals affected with CLPX-related conditions. Invitae Evidence Modeling of protein sequence and biophysical properties (such as structural, functional, and spatial information, amino acid conservation, physicochemical variation, residue mobility, and thermodynamic stability) indicates that this missense variant is not expected to disrupt CLPX protein function with a negative predictive value of 80%. In summary, the available evidence is currently insufficient to determine the role of this variant in disease. Therefore, it has been classified as a Variant of Uncertain Significance.